The following is an entry in ClinVar:

ClinVar aggregate classification (germline): Uncertain significance. Review status: criteria provided, multiple submitters, no conflicts (2 of 4 stars). 2 submissions from 2 submitters: Uncertain significance (2). Last evaluated 2024-03-19.

Conditions:
Hermansky-Pudlak syndrome 2 (HPS2). Also called: Platelet defects and oculocutaneous albinism. Identifiers: Orphanet 183678, Orphanet 79430, MedGen C1842362, MONDO:0011997, OMIM 608233.

Allele frequency attached by ClinVar (database versions not stated): gnomAD exomes below 0.00001 and 0.00001; TOPMed below 0.00001; ExAC 0.00001; gnomAD 0.00001.
gnomAD v4.1: 20 of 1,602,918 alleles (0.0012%); highest among the groups gnomAD compares: Non-Finnish European, 0.0015%; no homozygotes.

Submissions (2):

Women's Health and Genetics/Laboratory Corporation of America, LabCorp
Classification: Uncertain significance. Last evaluated: 2024-03-19. Review status: criteria provided, single submitter. Criteria: LabCorp Variant Classification Summary - May 2015. Collection method: clinical testing. Allele origin: germline.
Comment: Variant summary: AP3B1 c.1176T>G (p.Ile392Met) results in a conservative amino acid change located in the Clathrin/coatomer adaptor, adaptin-like, N-terminal domain (IPR002553) of the encoded protein sequence. Three of five in-silico tools predict a damaging effect of the variant on protein function. The variant allele was found at a frequency of 4.1e-06 in 243078 control chromosomes. The available data on variant occurrences in the general population are insufficient to allow any conclusion about variant significance. To our knowledge, no occurrence of c.1176T>G in individuals affected with Hermansky-Pudlak Syndrome and no experimental evidence demonstrating its impact on protein function have been reported. ClinVar contains an entry for this variant (Variation ID: 970297). Based on the evidence outlined above, the variant was classified as uncertain significance.

Labcorp Genetics (formerly Invitae), Labcorp
Classification: Uncertain significance for Hermansky-Pudlak syndrome 2. Last evaluated: 2021-08-26. Review status: criteria provided, single submitter. Criteria: Invitae Variant Classification Sherloc (09022015). Collection method: clinical testing. Allele origin: germline.
Comment: This sequence change replaces isoleucine with methionine at codon 392 of the AP3B1 protein (p.Ile392Met). The isoleucine residue is highly conserved and there is a small physicochemical difference between isoleucine and methionine. This variant is present in population databases (rs758680279, ExAC 0.002%). This variant has not been reported in the literature in individuals affected with AP3B1-related conditions. Algorithms developed to predict the effect of missense changes on protein structure and function are either unavailable or do not agree on the potential impact of this missense change (SIFT: "Deleterious"; PolyPhen-2: "Probably Damaging"; Align-GVGD: "Class C0"). In summary, the available evidence is currently insufficient to determine the role of this variant in disease. Therefore, it has been classified as a Variant of Uncertain Significance.

NM_003664.5(AP3B1):c.1176T>G (p.Ile392Met)

Gene: AP3B1 (adaptor related protein complex 3 subunit beta 1; minus strand). Cytogenetic location: 5q14.1.
Variant type: single nucleotide variant.
Coding change: c.1176T>G on transcript NM_003664.5 (MANE Select); coding-DNA position 1176, T replaced by G.
Protein change: p.Ile392Met; replaces isoleucine 392 with methionine.
Molecular consequence: missense variant.
Genome position (GRCh38, 1-based): chr5:78,165,664, A>C on the plus strand (T>G on the coding strand, the complement: AP3B1 is on the minus strand). VCF-style: chr5-78165664-A-C. GRCh37 (hg19) VCF-style: chr5-77461488-A-C.
Other names: c.1029T>G, p.Ile343Met (NM_001271769.2); short protein forms I343M, I392M.
Identifiers: ClinVar variation 970297 (VCV000970297.8), dbSNP rs758680279, ClinGen allele CA3317147.